The following is an entry in ClinVar:

ClinVar aggregate classification (germline): Pathogenic (1 of 4 stars; one submission).

Conditions:
Telangiectasia, hereditary hemorrhagic, type 2 (HHT2). Also called: ACVRL1-Related Hereditary Hemorrhagic Telangiectasia; Telangiectasia, hereditary hemorrhagic, type II. Identifiers: Orphanet 774, MedGen C1838163, MONDO:0010880, OMIM 600376. Disease mechanism: loss of function.

Submission:

Labcorp Genetics (formerly Invitae), Labcorp
Classification: Pathogenic for Telangiectasia, hereditary hemorrhagic, type 2. Last evaluated: 2024-02-21. Review status: criteria provided, single submitter. Criteria: Invitae Variant Classification Sherloc (09022015). Collection method: clinical testing. Allele origin: germline.
Comment: This sequence change creates a premature translational stop signal (p.Gln446Argfs*19) in the ACVRL1 gene. While this is not anticipated to result in nonsense mediated decay, it is expected to disrupt the last 58 amino acid(s) of the ACVRL1 protein. This variant is not present in population databases (gnomAD no frequency). This variant has not been reported in the literature in individuals affected with ACVRL1-related conditions. This variant disrupts a region of the ACVRL1 protein in which other variant(s) (p.Gln490*) have been determined to be pathogenic (PMID: 11484689, 16429404, 24603890). This suggests that this is a clinically significant region of the protein, and that variants that disrupt it are likely to be disease-causing. For these reasons, this variant has been classified as Pathogenic.

Literature cited by the submitters: PubMed 11484689; PubMed 16429404; PubMed 24603890.

NM_000020.3(ACVRL1):c.1337del (p.Gln446fs)

Gene: ACVRL1 (activin A receptor like type 1; plus strand). Cytogenetic location: 12q13.13.
Variant type: Deletion.
Coding change: c.1337del on transcript NM_000020.3 (MANE Select); coding-DNA position 1337, one base deleted (A; older notation c.1337delA).
Protein change: p.Gln446fs; shifts the reading frame from glutamine 446.
Molecular consequence: frameshift variant.
Genome position (GRCh38, 1-based): chr12:51,919,075, A deleted. VCF-style (leftmost placement, unchanged base first): chr12-51919074-CA-C. GRCh37 (hg19) VCF-style: chr12-52312858-CA-C.
Other names: c.1337del, p.Gln446fs (NM_001077401.2, NM_001406487.1, NM_001406488.1 and 1 more transcripts); c.1181del, p.Gln394fs (NM_001406490.1); c.1025del, p.Gln342fs (NM_001406491.1, NM_001406492.1, NM_001406493.1); c.827del, p.Gln276fs (NM_001406494.1); c.773del, p.Gln258fs (NM_001406495.1); short protein forms Q258fs, Q446fs, Q276fs, Q394fs, Q342fs.
Identifiers: ClinVar variation 3642373 (VCV003642373.2).